The following is an entry in ClinVar:

ClinVar aggregate classification (germline): Benign/Likely benign. Review status: criteria provided, multiple submitters, no conflicts (2 of 4 stars). 7 submissions from 7 submitters: Benign (5); Likely benign (2). Last evaluated 2025-12-11.

Conditions:
Inborn genetic diseases. Identifiers: MedGen C0950123, MeSH D030342.
Sotos syndrome (SOTOS). Also called: CEREBRAL GIGANTISM; Distinctive facial appearance, overgrowth in childhood, and learning disabilities or delayed development; SOTOS SYNDROME 1; CHROMOSOME 5q35 DELETION SYNDROME; Sotos' syndrome. Identifiers: Orphanet 821, MedGen C0175695, MONDO:0019349, OMIM 117550.

Allele frequency attached by ClinVar (database versions not stated): 1000 Genomes Project 0.00020; TOPMed 0.00036; ESP Exome Variant Server 0.00069; gnomAD exomes 0.00105 and 0.00161; ExAC 0.00126; gnomAD 0.00160 and 0.00173; 1000 Genomes Project 30x 0.00016.
gnomAD v4.1: 1,769 of 1,614,190 alleles (0.11%); highest among the groups gnomAD compares: Non-Finnish European, 0.073%; 8 homozygotes.

Submissions (7):

Labcorp Genetics (formerly Invitae), Labcorp
Classification: Benign. Last evaluated: 2025-12-11. Review status: criteria provided, single submitter. Criteria: Invitae Variant Classification Sherloc (09022015). Collection method: clinical testing. Allele origin: germline.

Blueprint Genetics
Classification: Likely benign. Last evaluated: 2024-11-19. Review status: criteria provided, single submitter. Criteria: ACMG Guidelines, 2015. Collection method: clinical testing. Allele origin: germline.

CeGaT Center for Human Genetics Tuebingen
Classification: Likely benign. Last evaluated: 2023-04-01. Review status: criteria provided, single submitter. Criteria: CeGaT Center For Human Genetics Tuebingen Variant Classification Criteria Version 2. Collection method: clinical testing. Allele origin: germline. Affected: yes. Observed: 2 variant alleles.
Comment: NSD1: BP4, BP7, BS1

Fulgent Genetics
Classification: Benign for Sotos syndrome. Last evaluated: 2021-10-15. Review status: criteria provided, single submitter. Criteria: ACMG Guidelines, 2015. Collection method: clinical testing. Allele origin: unknown.

Genome-Nilou Lab
Classification: Benign for Sotos syndrome. Last evaluated: 2021-07-15. Review status: criteria provided, single submitter. Criteria: ACMG Guidelines, 2015. Collection method: clinical testing. Allele origin: germline. Affected: no.

GeneDx
Classification: Benign. Last evaluated: 2019-07-29. Review status: criteria provided, single submitter. Criteria: GeneDx Variant Classification Process June 2021. Collection method: clinical testing. Allele origin: germline. Affected: yes.
Comment: This variant is associated with the following publications: (PMID: 15720303)

Ambry Genetics
Classification: Benign for Inborn genetic diseases. Last evaluated: 2017-12-22. Review status: criteria provided, single submitter. Criteria: Ambry Variant Classification Scheme 2023. Collection method: clinical testing. Allele origin: germline.

NM_022455.5(NSD1):c.7575C>T (p.Asp2525=)

Gene: NSD1 (nuclear receptor binding SET domain protein 1; plus strand). Cytogenetic location: 5q35.3.
Variant type: single nucleotide variant.
Coding change: c.7575C>T on transcript NM_022455.5 (MANE Select); coding-DNA position 7575, C replaced by T.
Protein change: p.Asp2525=; no amino-acid change (aspartic acid 2525 retained).
Molecular consequence: synonymous variant.
Genome position (GRCh38, 1-based): chr5:177,294,943, C>T. VCF-style: chr5-177294943-C-T. GRCh37 (hg19) VCF-style: chr5-176721944-C-T.
Other names: c.6702C>T, p.Asp2234= (NM_001365684.2, NM_001409308.1, NM_172349.5); c.7575C>T, p.Asp2525= (NM_001409301.1, NM_001409302.1, NM_001409303.1); c.7155C>T, p.Asp2385= (NM_001409304.1); c.6822C>T, p.Asp2274= (NM_001409305.1); c.6813C>T, p.Asp2271= (NM_001409306.1, NM_001409307.1); c.6453C>T, p.Asp2151= (NM_001409309.1).
Identifiers: ClinVar variation 352893 (VCV000352893.42), dbSNP rs148891711, ClinGen allele CA3578154.